The following is an entry in ClinVar:

NM_001126108.2(SLC12A3):c.1968G>A (p.Pro656=)

Gene: SLC12A3 (solute carrier family 12 member 3; plus strand). Cytogenetic location: 16q13.
Variant type: single nucleotide variant.
Coding change: c.1968G>A on transcript NM_001126108.2 (MANE Select); coding-DNA position 1968, G replaced by A.
Protein change: p.Pro656=; no amino-acid change (proline 656 retained).
Molecular consequence: synonymous variant.
Genome position (GRCh38, 1-based): chr16:56,886,406, G>A. VCF-style: chr16-56886406-G-A. GRCh37 (hg19) VCF-style: chr16-56920318-G-A.
Other names: c.1968G>A, p.Pro656= (NM_000339.3); c.1965G>A, p.Pro655= (NM_001126107.2).
Identifiers: ClinVar variation 319910 (VCV000319910.44), dbSNP rs150378634, ClinGen allele CA8069676.

ClinVar aggregate classification (germline): Conflicting classifications of pathogenicity. Review status: criteria provided, conflicting classifications (1 of 4 stars). 6 submissions from 6 submitters: Uncertain significance (1); Likely benign (4). 1 of the submissions does not count toward it. Last evaluated 2026-04-01.

Conditions:
Familial hypokalemia-hypomagnesemia (GTLMNS). Also called: HYPOMAGNESEMIA-HYPOKALEMIA, PRIMARY RENOTUBULAR, WITH HYPOCALCIURIA; POTASSIUM AND MAGNESIUM DEPLETION; gitelman syndrome. Identifiers: Orphanet 358, MedGen C0268450, MONDO:0009904, OMIM 263800.

Allele frequency attached by ClinVar (database versions not stated): gnomAD 0.00013 and 0.00014; ExAC 0.00015; ESP Exome Variant Server 0.00015; TOPMed 0.00018; gnomAD exomes 0.00020.
gnomAD v4.1: 190 of 1,613,946 alleles (0.012%); highest among the groups gnomAD compares: Admixed American, 0.067%; no homozygotes.

Submissions (6):

CeGaT Center for Human Genetics Tuebingen
Classification: Likely benign. Last evaluated: 2026-04-01. Review status: criteria provided, single submitter. Criteria: CeGaT Center For Human Genetics Tuebingen Variant Classification Criteria Version 2. Collection method: clinical testing. Allele origin: germline. Affected: yes. Observed: 2 variant alleles.
Comment: SLC12A3: BP4, BP7

Labcorp Genetics (formerly Invitae), Labcorp
Classification: Likely benign. Last evaluated: 2025-06-16. Review status: criteria provided, single submitter. Criteria: Invitae Variant Classification Sherloc (09022015). Collection method: clinical testing. Allele origin: germline.

Blueprint Genetics
Classification: Likely benign. Last evaluated: 2024-09-23. Review status: criteria provided, single submitter. Criteria: ACMG Guidelines, 2015. Collection method: clinical testing. Allele origin: germline.

Genome-Nilou Lab
Classification: Likely benign for Familial hypokalemia-hypomagnesemia. Last evaluated: 2021-07-15. Review status: criteria provided, single submitter. Criteria: ACMG Guidelines, 2015. Collection method: clinical testing. Allele origin: germline. Affected: no.

Illumina Laboratory Services, Illumina
Classification: Uncertain significance for Familial hypokalemia-hypomagnesemia. Last evaluated: 2018-01-12. Review status: criteria provided, single submitter. Criteria: ICSL Variant Classification Criteria 13 December 2019. Collection method: clinical testing. Allele origin: germline.

Natera, Inc.
Classification: Uncertain significance for Gitelman syndrome. Last evaluated: 2019-11-11. Review status: no assertion criteria provided. Collection method: clinical testing. Allele origin: germline. Not counted in ClinVar's aggregate classification.